The following is an entry in ClinVar:

NM_001365999.1(SZT2):c.6877+17G>C

Gene: SZT2 (SZT2 subunit of KICSTOR complex; plus strand). Cytogenetic location: 1p34.2.
Variant type: single nucleotide variant.
Coding change: c.6877+17G>C on transcript NM_001365999.1 (MANE Select); 17 bases into the intron after coding-DNA position 6877, G replaced by C.
Molecular consequence: intron variant.
Genome position (GRCh38, 1-based): chr1:43,439,459, G>C. VCF-style: chr1-43439459-G-C. GRCh37 (hg19) VCF-style: chr1-43905130-G-C.
Other names: c.6706+17G>C (NM_015284.4).
Identifiers: ClinVar variation 2020744 (VCV002020744.3), dbSNP rs1484516640, ClinGen allele CA1165617417.

ClinVar aggregate classification (germline): Uncertain significance (1 of 4 stars; one submission).

Submission:

Labcorp Genetics (formerly Invitae), Labcorp
Classification: Uncertain significance. Last evaluated: 2022-07-30. Review status: criteria provided, single submitter. Criteria: Invitae Variant Classification Sherloc (09022015). Collection method: clinical testing. Allele origin: germline.
Comment: This sequence change falls in intron 48 of the SZT2 gene. It does not directly change the encoded amino acid sequence of the SZT2 protein. This variant is not present in population databases (gnomAD no frequency). This variant has not been reported in the literature in individuals affected with SZT2-related conditions. Algorithms developed to predict the effect of sequence changes on RNA splicing suggest that this variant may create or strengthen a splice site. In summary, the available evidence is currently insufficient to determine the role of this variant in disease. Therefore, it has been classified as a Variant of Uncertain Significance.